The following is an entry in ClinVar:

NM_000038.6(APC):c.5242G>A (p.Asp1748Asn)

Gene: APC (APC regulator of Wnt signaling pathway; plus strand). Cytogenetic location: 5q22.2.
Variant type: single nucleotide variant.
Coding change: c.5242G>A on transcript NM_000038.6 (MANE Select); coding-DNA position 5242, G replaced by A.
Protein change: p.Asp1748Asn; replaces aspartic acid 1748 with asparagine.
Molecular consequence: missense variant. On other transcripts: non-coding transcript variant (2).
Genome position (GRCh38, 1-based): chr5:112,840,836, G>A. VCF-style: chr5-112840836-G-A. GRCh37 (hg19) VCF-style: chr5-112176533-G-A.
Other names: c.5242G>A, p.Asp1748Asn (NM_001127510.3, NM_001354895.2, NM_001407450.1); c.5188G>A, p.Asp1730Asn (NM_001127511.3); c.5296G>A, p.Asp1766Asn (NM_001354896.2, NM_001407447.1, NM_001407448.1 and 1 more transcripts); c.5272G>A, p.Asp1758Asn (NM_001354897.2); c.5167G>A, p.Asp1723Asn (NM_001354898.2); c.5158G>A, p.Asp1720Asn (NM_001354899.2); c.5119G>A, p.Asp1707Asn (NM_001354900.2); c.5065G>A, p.Asp1689Asn (NM_001354901.2, NM_001407453.1); and 11 more; short protein forms D1364N, D1588N, D1657N, D1689N, D1707N, D1748N, D1776N, D1758N.
Identifiers: ClinVar variation 3412671 (VCV003412671.1).

ClinVar aggregate classification (germline): Uncertain significance (1 of 4 stars; one submission).

Conditions:
Hereditary cancer-predisposing syndrome. Also called: Neoplastic Syndromes, Hereditary; Tumor predisposition; Hereditary Cancer Syndrome; Hereditary neoplastic syndrome. Identifiers: Orphanet 140162, MedGen C0027672, MeSH D009386, MONDO:0015356.

Submission:

Ambry Genetics
Classification: Uncertain significance for Hereditary cancer-predisposing syndrome. Last evaluated: 2024-12-06. Review status: criteria provided, single submitter. Criteria: Ambry Variant Classification Scheme 2023. Collection method: clinical testing. Allele origin: germline.
Comment: The p.D1748N variant (also known as c.5242G>A), located in coding exon 15 of the APC gene, results from a G to A substitution at nucleotide position 5242. The aspartic acid at codon 1748 is replaced by asparagine, an amino acid with highly similar properties. This amino acid position is conserved. In addition, in silico predictors for this gene do not accurately predict pathogenicity. Based on the available evidence, the clinical significance of this variant remains unclear.